The following is an entry in ClinVar:

ClinVar aggregate classification (germline): Benign/Likely benign. Review status: criteria provided, multiple submitters, no conflicts (2 of 4 stars). 7 submissions from 7 submitters: Benign (2); Likely benign (3). 2 of the submissions do not count toward it. Last evaluated 2026-01-31.

Conditions:
Chédiak-Higashi syndrome (CHS). Also called: Chediak-Higashi Syndrome. Identifiers: Orphanet 167, MedGen C0007965, MONDO:0008963, OMIM 214500.

Allele frequency attached by ClinVar (database versions not stated): gnomAD exomes 0.00024 and 0.00054; ExAC 0.00060; ESP Exome Variant Server 0.00208; 1000 Genomes Project 0.00260; gnomAD 0.00262 and 0.00277; TOPMed 0.00274; 1000 Genomes Project 30x 0.00328.
gnomAD v4.1: 742 of 1,611,992 alleles (0.046%); highest among the groups gnomAD compares: African/African-American, 0.93%; 2 homozygotes.

Submissions (7):

Labcorp Genetics (formerly Invitae), Labcorp
Classification: Benign for Chédiak-Higashi syndrome. Last evaluated: 2026-01-31. Review status: criteria provided, single submitter. Criteria: Invitae Variant Classification Sherloc (09022015). Collection method: clinical testing. Allele origin: germline.

Mayo Clinic Laboratories, Mayo Clinic
Classification: Benign. Last evaluated: 2025-03-21. Review status: criteria provided, single submitter. Criteria: ACMG Guidelines, 2015. Collection method: clinical testing. Allele origin: germline. Observed: 6 variant alleles.
Comment: BA1, BP4, BP7

Blueprint Genetics
Classification: Likely benign. Last evaluated: 2024-09-04. Review status: criteria provided, single submitter. Criteria: ACMG Guidelines, 2015. Collection method: clinical testing. Allele origin: germline.

Genetic Services Laboratory, University of Chicago
Classification: Likely benign. Last evaluated: 2016-03-23. Review status: criteria provided, single submitter. Criteria: ACMG Guidelines, 2015. Collection method: clinical testing. Allele origin: germline. Affected: no.

Breakthrough Genomics
Classification: Likely benign. Review status: criteria provided, single submitter. Criteria: ACMG Guidelines, 2015. Collection method: not provided. Allele origin: germline. Inheritance: Autosomal recessive inheritance. Affected: yes.

Clinical Genetics DNA and cytogenetics Diagnostics Lab, Erasmus MC, Erasmus Medical Center
Classification: Likely benign. Review status: no assertion criteria provided. Collection method: clinical testing. Allele origin: germline. Affected: yes. Study: VKGL Data-share Consensus. Not counted in ClinVar's aggregate classification.

Clinical Genetics, Academic Medical Center
Classification: Benign. Review status: no assertion criteria provided. Collection method: clinical testing. Allele origin: germline. Affected: yes. Study: VKGL Data-share Consensus. Not counted in ClinVar's aggregate classification.

NM_000081.4(LYST):c.5223T>C (p.Leu1741=)

Gene: LYST (lysosomal trafficking regulator; minus strand). Cytogenetic location: 1q42.3.
Variant type: single nucleotide variant.
Coding change: c.5223T>C on transcript NM_000081.4 (MANE Select); coding-DNA position 5223, T replaced by C.
Protein change: p.Leu1741=; no amino-acid change (leucine 1741 retained).
Molecular consequence: synonymous variant.
Genome position (GRCh38, 1-based): chr1:235,777,300, A>G on the plus strand (T>C on the coding strand, the complement: LYST is on the minus strand). VCF-style: chr1-235777300-A-G. GRCh37 (hg19) VCF-style: chr1-235940600-A-G.
Other names: p.Leu1741=; c.5223T>C, p.Leu1741= (NM_001301365.1).
Identifiers: ClinVar variation 435790 (VCV000435790.22), dbSNP rs7530527, ClinGen allele CA1466664.